The following is an entry in ClinVar:

ClinVar aggregate classification (germline): Benign. Review status: criteria provided, multiple submitters, no conflicts (2 of 4 stars). 6 submissions from 6 submitters: Benign (6). Last evaluated 2026-02-04.

Conditions:
Mitochondrial short-chain Enoyl-Coa hydratase 1 deficiency. Also called: PxMD-ECHS1; Mitochondrial Short-Chain Enoyl-CoA Hydratase Deficiency; ECHS1 deficiency. Identifiers: Orphanet 255241, Orphanet 653880, MedGen C4225391, MONDO:0014563, OMIM 616277.

Allele frequency attached by ClinVar (database versions not stated): ESP Exome Variant Server 0.60480; TOPMed 0.60886; gnomAD 0.62082 and 0.63442; 1000 Genomes Project 30x 0.65319; 1000 Genomes Project 0.67592; gnomAD exomes 0.73542 and 0.74099; ExAC 0.75522.
gnomAD v4.1: 1,088,072 of 1,491,544 alleles (73%); highest among the groups gnomAD compares: East Asian, 92%; 404,865 homozygotes.

Submissions (6):

Labcorp Genetics (formerly Invitae), Labcorp
Classification: Benign. Last evaluated: 2026-02-04. Review status: criteria provided, single submitter. Criteria: Invitae Variant Classification Sherloc (09022015). Collection method: clinical testing. Allele origin: germline.

Blueprint Genetics
Classification: Benign. Last evaluated: 2024-11-27. Review status: criteria provided, single submitter. Criteria: ACMG Guidelines, 2015. Collection method: clinical testing. Allele origin: germline.

Mayo Clinic Laboratories, Mayo Clinic
Classification: Benign. Last evaluated: 2022-07-11. Review status: criteria provided, single submitter. Criteria: ACMG Guidelines, 2015. Collection method: clinical testing. Allele origin: germline. Observed: 81 variant alleles.

Genome-Nilou Lab
Classification: Benign for Mitochondrial short-chain Enoyl-Coa hydratase 1 deficiency. Last evaluated: 2021-07-30. Review status: criteria provided, single submitter. Criteria: ACMG Guidelines, 2015. Collection method: clinical testing. Allele origin: germline. Affected: no.

GeneDx
Classification: Benign. Last evaluated: 2015-03-03. Review status: criteria provided, single submitter. Criteria: GeneDx Variant Classification Process June 2021. Collection method: clinical testing. Allele origin: germline. Affected: yes.
Comment: This variant is associated with the following publications: (PMID: 30541556)

Breakthrough Genomics
Classification: Benign. Review status: criteria provided, single submitter. Criteria: ACMG Guidelines, 2015. Collection method: not provided. Allele origin: germline. Inheritance: Autosomal recessive inheritance. Affected: yes.

NM_004092.4(ECHS1):c.32T>C (p.Val11Ala)

Genes: ECHS1 (enoyl-CoA hydratase, short chain 1; minus strand), LOC130005023 (ATAC-STARR-seq lymphoblastoid silent region 2977; plus strand). Cytogenetic location: 10q26.3.
Variant type: single nucleotide variant.
Coding change: c.32T>C on transcript NM_004092.4 (MANE Select); coding-DNA position 32, T replaced by C.
Protein change: p.Val11Ala; replaces valine 11 with alanine.
Molecular consequence: missense variant.
Genome position (GRCh38, 1-based): chr10:133,373,302, A>G on the plus strand (T>C on the coding strand, the complement: ECHS1 is on the minus strand). VCF-style: chr10-133373302-A-G. GRCh37 (hg19) VCF-style: chr10-135186806-A-G.
Other names: p.Val11Ala; c.32T>C (NM_004092.3); short protein forms V11A.
Identifiers: ClinVar variation 1255366 (VCV001255366.15), dbSNP rs10466126, ClinGen allele CA5765913.